The following is an entry in ClinVar:

ClinVar aggregate classification (germline): Uncertain significance (1 of 4 stars; one submission).

Allele frequency attached by ClinVar (database versions not stated): TOPMed below 0.00001; gnomAD exomes 0.00001.
gnomAD v4.1: 5 of 1,611,580 alleles (0.00031%); highest among the groups gnomAD compares: Middle Eastern, 0.033%; no homozygotes.

Submission:

Labcorp Genetics (formerly Invitae), Labcorp
Classification: Uncertain significance. Last evaluated: 2024-11-11. Review status: criteria provided, single submitter. Criteria: Invitae Variant Classification Sherloc (09022015). Collection method: clinical testing. Allele origin: germline.
Comment: This sequence change replaces asparagine, which is neutral and polar, with serine, which is neutral and polar, at codon 494 of the CAPN5 protein (p.Asn494Ser). This variant is present in population databases (no rsID available, gnomAD 0.003%). This variant has not been reported in the literature in individuals affected with CAPN5-related conditions. ClinVar contains an entry for this variant (Variation ID: 1402670). Invitae Evidence Modeling of protein sequence and biophysical properties (such as structural, functional, and spatial information, amino acid conservation, physicochemical variation, residue mobility, and thermodynamic stability) indicates that this missense variant is not expected to disrupt CAPN5 protein function with a negative predictive value of 80%. In summary, the available evidence is currently insufficient to determine the role of this variant in disease. Therefore, it has been classified as a Variant of Uncertain Significance.

NM_004055.5(CAPN5):c.1481A>G (p.Asn494Ser)

Gene: CAPN5 (calpain 5; plus strand). Cytogenetic location: 11q13.5.
Variant type: single nucleotide variant.
Coding change: c.1481A>G on transcript NM_004055.5 (MANE Select); coding-DNA position 1481, A replaced by G.
Protein change: p.Asn494Ser; replaces asparagine 494 with serine.
Molecular consequence: missense variant.
Genome position (GRCh38, 1-based): chr11:77,120,903, A>G. VCF-style: chr11-77120903-A-G. GRCh37 (hg19) VCF-style: chr11-76831949-A-G.
Other names: short protein forms N494S.
Identifiers: ClinVar variation 1402670 (VCV001402670.8), dbSNP rs79218583, ClinGen allele CA224830758.